The following is an entry in ClinVar:

NC_012920.1(MT-CO3):m.9621G>A

Gene: MT-CO3 (mitochondrially encoded cytochrome c oxidase III; plus strand).
Variant type: single nucleotide variant.
Genome position: chrM-9621-G-A.
Identifiers: ClinVar variation 693192 (VCV000693192.1), dbSNP rs1603222400, ClinGen allele CA414803336.
Genomic context (GRCh38, chrMT:9,621, plus strand): 5'-ACAGGCATCACCCCGCTAAATCCCCTAGAAGTCCCACTCCTAAACACATCCGTATTACTC[G>A]CATCAGGAGTATCAATCACCTGAGCTCACCATAGTCTAATAGAAAACAACCGAAACCAAA-3'

ClinVar aggregate classification (germline): Benign (1 of 4 stars; one submission).

Conditions:
Leigh syndrome (NULS). Also called: Leigh's necrotizing encephalopathy; Leigh's disease; Leigh Syndrome (mtDNA deletion); Leigh Disease; Subacute necrotizing encephalopathy; Necrotizing encephalopathy infantile subacute of Leigh. Identifiers: Orphanet 506, MedGen C2931891, MONDO:0009723, OMIM 256000.

Submission:

Wong Mito Lab, Molecular and Human Genetics, Baylor College of Medicine
Classification: Benign for Leigh syndrome. Last evaluated: 2019-10-17. Review status: criteria provided, single submitter. Criteria: Modified ACMG Guidelines (Unpublished). Collection method: clinical testing. Allele origin: germline.
Comment: The NC_012920.1:m.9621G>A (YP_003024032.1:p.Ala139Thr) variant in MTCO3 gene is interpretated to be a Benign variant based on the modified ACMG guidelines (unpublished). This variant meets the following evidence codes: BS1, BS2